The following is an entry in ClinVar:

NM_080425.4(GNAS):c.2069-5205C>A

Gene: GNAS (GNAS complex locus; plus strand). Cytogenetic location: 20q13.32.
Variant type: single nucleotide variant.
Coding change: c.2069-5205C>A on transcript NM_080425.4 (MANE Plus Clinical); 5205 bases into the intron before coding-DNA position 2069, C replaced by A.
Molecular consequence: intron variant.
Genome position (GRCh38, 1-based): chr20:58,890,407, C>A. VCF-style: chr20-58890407-C-A. GRCh37 (hg19) VCF-style: chr20-57465462-C-A.
Other names: c.*43-5205C>A (NM_016592.5); c.44-5205C>A (NM_001410912.1); c.-38-5205C>A (NM_001309861.2); c.*1-5205C>A (NM_001077490.3); c.2069-5205C>A (NM_001410913.1); c.*159-5205C>A (NM_001309883.1); c.-39+1054C>A (NM_001438273.1, NM_001309840.2); c.-39+1075C>A (NM_001439291.1, NM_001438274.1).
Identifiers: ClinVar variation 3251043 (VCV003251043.17), dbSNP rs1600948501.

ClinVar aggregate classification (germline): Uncertain significance (1 of 4 stars; one submission).

Submission:

CeGaT Center for Human Genetics Tuebingen
Classification: Uncertain significance. Last evaluated: 2024-06-01. Review status: criteria provided, single submitter. Criteria: CeGaT Center For Human Genetics Tuebingen Variant Classification Criteria Version 2. Collection method: clinical testing. Allele origin: germline. Affected: yes. Observed: 1 variant allele.
Comment: GNAS: PM2